The following is an entry in ClinVar:

ClinVar aggregate classification (germline): Uncertain significance (1 of 4 stars; one submission).

Submission:

Labcorp Genetics (formerly Invitae), Labcorp
Classification: Uncertain significance. Last evaluated: 2022-08-09. Review status: criteria provided, single submitter. Criteria: Invitae Variant Classification Sherloc (09022015). Collection method: clinical testing. Allele origin: germline.
Comment: In summary, the available evidence is currently insufficient to determine the role of this variant in disease. Therefore, it has been classified as a Variant of Uncertain Significance. Algorithms developed to predict the effect of missense changes on protein structure and function (SIFT, PolyPhen-2, Align-GVGD) all suggest that this variant is likely to be disruptive. This variant has not been reported in the literature in individuals affected with DYM-related conditions. This variant is not present in population databases (gnomAD no frequency). This sequence change replaces threonine, which is neutral and polar, with alanine, which is neutral and non-polar, at codon 461 of the DYM protein (p.Thr461Ala).

NM_001353214.3(DYM):c.1381A>G (p.Thr461Ala)

Gene: DYM (dymeclin; minus strand). Cytogenetic location: 18q21.1.
Variant type: single nucleotide variant.
Coding change: c.1381A>G on transcript NM_001353214.3 (MANE Select); coding-DNA position 1381, A replaced by G.
Protein change: p.Thr461Ala; replaces threonine 461 with alanine.
Molecular consequence: missense variant.
Genome position (GRCh38, 1-based): chr18:49,257,089, T>C on the plus strand (A>G on the coding strand, the complement: DYM is on the minus strand). VCF-style: chr18-49257089-T-C. GRCh37 (hg19) VCF-style: chr18-46783459-T-C.
Other names: c.1378A>G, p.Thr460Ala (NM_001353210.3, NM_001353211.3, NM_001353212.3 and 3 more transcripts); c.1255A>G, p.Thr419Ala (NM_001374436.1, NM_001374432.1); c.1198A>G, p.Thr400Ala (NM_001374437.1); c.1375A>G, p.Thr459Ala (NM_001374439.1, NM_001374429.1); c.1153A>G, p.Thr385Ala (NM_001374440.1); c.811A>G, p.Thr271Ala (NM_001374441.1, NM_001374442.1, NM_001374444.1); c.808A>G, p.Thr270Ala (NM_001374443.1); c.1381A>G, p.Thr461Ala (NM_001353215.3, NM_001353216.3, NM_001374428.1 and 5 more transcripts); short protein forms T271A, T385A, T461A, T459A, T270A, T400A, T419A, T460A.
Identifiers: ClinVar variation 1953233 (VCV001953233.5), dbSNP rs2517388718, ClinGen allele CA402506656.